The following is an entry in ClinVar:

ClinVar aggregate classification (germline): Uncertain significance (1 of 4 stars; one submission).

Conditions:
MRAP2-related disorder. Also called: MRAP2-related condition.

Submission:

PreventionGenetics, part of Exact Sciences
Classification: Uncertain significance for MRAP2-related condition. Last evaluated: 2025-08-20. Review status: criteria provided, single submitter. Criteria: ACMG Guidelines, 2015. Collection method: clinical testing. Allele origin: germline.
Comment: The MRAP2 c.152T>G variant is predicted to result in the amino acid substitution p.Val51Gly. To our knowledge, this variant has not been reported in the literature or in a large population database (gnomAD), indicating this variant is rare. At this time, the clinical significance of this variant is uncertain due to the absence of conclusive functional and genetic evidence.

NM_138409.4(MRAP2):c.152T>G (p.Val51Gly)

Gene: MRAP2 (melanocortin 2 receptor accessory protein 2; plus strand). Cytogenetic location: 6q14.2.
Variant type: single nucleotide variant.
Coding change: c.152T>G on transcript NM_138409.4 (MANE Select); coding-DNA position 152, T replaced by G.
Protein change: p.Val51Gly; replaces valine 51 with glycine.
Molecular consequence: missense variant. On other transcripts: 5 prime UTR variant (1), intron variant (1).
Genome position (GRCh38, 1-based): chr6:84,062,917, T>G. VCF-style: chr6-84062917-T-G. GRCh37 (hg19) VCF-style: chr6-84772636-T-G.
Other names: c.152T>G, p.Val51Gly (NM_001346542.2, NM_001346544.2); c.-108T>G (NM_001346543.2); c.-32+7472T>G (NM_001346541.2); short protein forms V51G.
Identifiers: ClinVar variation 4993434 (VCV004993434.1).
Genomic context (GRCh38, chr6:84,062,917, plus strand): 5'-TGTGAAATACTAATCCCAGAATTAACTGTCTTTCAGATTCCATTGTGATTGGATTTTGGG[T>G]TGGTCTTGCAGTCTTCGTGATTTTTATGTTTTTTGTGCTGACCTTGCTGACCAAGACAGG-3'
Protein context (NP_612418.2, residues 41-61): HKYSIVIGFW[Val51Gly]GLAVFVIFMF